The following is an entry in ClinVar:

ClinVar aggregate classification (germline): Likely pathogenic (1 of 4 stars; one submission).

Allele frequency attached by ClinVar (database versions not stated): TOPMed 0.00001.

Submissions (2):

Labcorp Genetics (formerly Invitae), Labcorp
Classification: Likely pathogenic. Last evaluated: 2023-06-10. Review status: criteria provided, single submitter. Criteria: Invitae Variant Classification Sherloc (09022015). Collection method: clinical testing. Allele origin: germline.
Comment: Algorithms developed to predict the effect of sequence changes on RNA splicing suggest that this variant may disrupt the consensus splice site. This variant has not been reported in the literature in individuals affected with ADGRV1-related conditions. This variant is not present in population databases (gnomAD no frequency). This sequence change affects an acceptor splice site in intron 34 of the ADGRV1 gene. It is expected to disrupt RNA splicing. Variants that disrupt the donor or acceptor splice site typically lead to a loss of protein function (PMID: 16199547), and loss-of-function variants in ADGRV1 are known to be pathogenic (PMID: 19357117, 22135276, 22147658, 26226137, 30718709, 31047384, 32467589). In summary, the currently available evidence indicates that the variant is pathogenic, but additional data are needed to prove that conclusively. Therefore, this variant has been classified as Likely Pathogenic.

Dr. Peter K. Rogan Lab, Western University
No classification provided (evidence only). Condition: Lung cancer. Review status: no classification provided. Collection method: in vitro. Allele origin: not applicable. Functional consequence: retained intron. Not counted in ClinVar's aggregate classification.

Literature cited by the submitters: PubMed 16199547 (cited by Labcorp Genetics (formerly Invitae), Labcorp); PubMed 19357117 (cited by Labcorp Genetics (formerly Invitae), Labcorp); PubMed 22135276 (cited by Labcorp Genetics (formerly Invitae), Labcorp); PubMed 22147658 (cited by Labcorp Genetics (formerly Invitae), Labcorp); PubMed 26226137 (cited by Labcorp Genetics (formerly Invitae), Labcorp); PubMed 30718709 (cited by Labcorp Genetics (formerly Invitae), Labcorp); PubMed 31047384 (cited by Labcorp Genetics (formerly Invitae), Labcorp); PubMed 32467589 (cited by Labcorp Genetics (formerly Invitae), Labcorp).

NM_032119.4(ADGRV1):c.8156-1G>A

Gene: ADGRV1 (adhesion G protein-coupled receptor V1; plus strand). Cytogenetic location: 5q14.3.
Variant type: single nucleotide variant.
Coding change: c.8156-1G>A on transcript NM_032119.4 (MANE Select); the canonical splice acceptor site of the intron before coding-DNA position 8156, G replaced by A.
Molecular consequence: splice acceptor variant.
Genome position (GRCh38, 1-based): chr5:90,703,664, G>A. VCF-style: chr5-90703664-G-A. GRCh37 (hg19) VCF-style: chr5-89999481-G-A.
Identifiers: ClinVar variation 2708012 (VCV002708012.4), dbSNP rs1414878464, ClinGen allele CA360388530.